The following is an entry in ClinVar:

ClinVar aggregate classification (germline): Pathogenic (1 of 4 stars; one submission).

Conditions:
Usher syndrome. Also called: Usher Syndromes; Usher's syndrome. Identifiers: Orphanet 886, MedGen CN469326, MeSH D052245, MONDO:0019501. Disease mechanism: loss of function.

Submission:

Women's Health and Genetics/Laboratory Corporation of America, LabCorp
Classification: Pathogenic for Retinitis pigmentosa-deafness syndrome. Last evaluated: 2024-11-05. Review status: criteria provided, single submitter. Criteria: LabCorp Variant Classification Summary - May 2015. Collection method: clinical testing. Allele origin: germline.
Comment: Variant summary: WHRN c.1584dupC (p.Thr529HisfsX40) results in a premature termination codon, predicted to cause a truncation of the encoded protein or absence of the protein due to nonsense mediated decay, which are commonly known mechanisms for disease. The variant allele was found at a frequency of 8e-06 in 251298 control chromosomes (gnomAD). To our knowledge, no occurrence of c.1584dupC in individuals affected with Usher Syndrome and no experimental evidence demonstrating its impact on protein function have been reported. No submitters have cited clinical-significance assessments for this variant to ClinVar. Based on the evidence outlined above, the variant was classified as pathogenic.

NM_015404.4(WHRN):c.1584dup (p.Thr529fs)

Gene: WHRN (whirlin; minus strand). Cytogenetic location: 9q32.
Variant type: Duplication.
Coding change: c.1584dup on transcript NM_015404.4 (MANE Select); coding-DNA position 1584, one base duplicated (C; older notation c.1584dupC).
Protein change: p.Thr529fs; shifts the reading frame from threonine 529.
Molecular consequence: frameshift variant.
Genome position (GRCh38, 1-based): chr9:114,423,356, G duplicated on the plus strand (C on the coding strand, the reverse complement: WHRN is on the minus strand); the first of 2 consecutive G bases (chr9:114,423,356-114,423,357); duplicating either gives the same sequence. VCF-style (leftmost placement, unchanged base first): chr9-114423355-T-TG. GRCh37 (hg19) VCF-style: chr9-117185635-T-TG.
Other names: c.1584dupC (NM_015404.4); c.435dup, p.Thr146fs (NM_001083885.3); c.1584dup, p.Thr529fs (NM_001173425.2); c.531dup, p.Thr178fs (NM_001346890.1); short protein forms T146fs, T178fs, T529fs.
Identifiers: ClinVar variation 3629826 (VCV003629826.1).
Genomic context (GRCh38, chr9:114,423,355, plus strand): 5'-CAAGGCAGAAGAAGCTCACCCTGGCCGAGCTGACGGTGGTGGAGGTGCCGTGGCTGCCTG[T>TG]GGATGAACCCGTGTCACTGTAGGAGACCATGGAGTAGGTGTCCCCAGCCCCGGGGCCTGG-3'